The following is an entry in ClinVar:

ClinVar aggregate classification (germline): Uncertain significance (1 of 4 stars; one submission).

Allele frequency attached by ClinVar (database versions not stated): ExAC 0.00001; gnomAD 0.00001; gnomAD exomes 0.00001; TOPMed 0.00001; 1000 Genomes Project 30x 0.00031.
gnomAD v4.1: 12 of 1,614,188 alleles (0.00074%); highest among the groups gnomAD compares: South Asian, 0.0022%; no homozygotes.

Submission:

Labcorp Genetics (formerly Invitae), Labcorp
Classification: Uncertain significance. Last evaluated: 2021-10-12. Review status: criteria provided, single submitter. Criteria: Invitae Variant Classification Sherloc (09022015). Collection method: clinical testing. Allele origin: germline.
Comment: In summary, the available evidence is currently insufficient to determine the role of this variant in disease. Therefore, it has been classified as a Variant of Uncertain Significance. Algorithms developed to predict the effect of missense changes on protein structure and function are either unavailable or do not agree on the potential impact of this missense change (SIFT: "Deleterious"; PolyPhen-2: "Probably Damaging"; Align-GVGD: "Class C0"). This variant has not been reported in the literature in individuals affected with C2-related conditions. This variant is present in population databases (rs749347217, ExAC 0.006%). This sequence change replaces serine with leucine at codon 126 of the C2 protein (p.Ser126Leu). The serine residue is highly conserved and there is a large physicochemical difference between serine and leucine.

NM_000063.6(C2):c.377C>T (p.Ser126Leu)

Gene: C2 (complement C2; plus strand). Cytogenetic location: 6p21.33.
Variant type: single nucleotide variant.
Coding change: c.377C>T on transcript NM_000063.6 (MANE Select); coding-DNA position 377, C replaced by T.
Protein change: p.Ser126Leu; replaces serine 126 with leucine.
Molecular consequence: missense variant. On other transcripts: genic upstream transcript variant (2), intron variant (1).
Genome position (GRCh38, 1-based): chr6:31,928,852, C>T. VCF-style: chr6-31928852-C-T. GRCh37 (hg19) VCF-style: chr6-31896629-C-T.
Other names: c.290C>T, p.Ser97Leu (NM_001282458.2); c.377C>T, p.Ser126Leu (NM_001282459.2); c.-63-4758C>T (NM_001282457.2); c.74-4758C>T (NM_001178063.3); c.46+1054C>T (NM_001145903.3); short protein forms S97L, S126L.
Identifiers: ClinVar variation 1480326 (VCV001480326.6), dbSNP rs749347217, ClinGen allele CA3727356.
Genomic context (GRCh38, chr6:31,928,852, plus strand): 5'-CCTATCCCGTGGGTGGCAATGTGAGCTTCGAGTGTGAGGATGGCTTCATATTGCGGGGCT[C>T]GCCTGTGCGTCAGTGTCGCCCCAACGGCATGTGGGATGGAGAAACAGCTGTGTGTGATAA-3'
Protein context (NP_000054.2, residues 116-136): ECEDGFILRG[Ser126Leu]PVRQCRPNGM